The following is an entry in ClinVar:

NM_018263.6(ASXL2):c.2866C>T (p.Leu956=)

Gene: ASXL2 (ASXL transcriptional regulator 2; minus strand). Cytogenetic location: 2p23.3.
Variant type: single nucleotide variant.
Coding change: c.2866C>T on transcript NM_018263.6 (MANE Select); coding-DNA position 2866, C replaced by T.
Protein change: p.Leu956=; no amino-acid change (leucine 956 retained).
Molecular consequence: synonymous variant.
Genome position (GRCh38, 1-based): chr2:25,743,471, G>A on the plus strand (C>T on the coding strand, the complement: ASXL2 is on the minus strand). VCF-style: chr2-25743471-G-A. GRCh37 (hg19) VCF-style: chr2-25966340-G-A.
Other names: c.2692C>T, p.Leu898= (NM_001369346.1); c.2086C>T, p.Leu696= (NM_001369347.1).
Identifiers: ClinVar variation 2650734 (VCV002650734.24), dbSNP rs2465305426, ClinGen allele CA425354259.

ClinVar aggregate classification (germline): Uncertain significance (1 of 4 stars; one submission).

Submission:

CeGaT Center for Human Genetics Tuebingen
Classification: Uncertain significance. Last evaluated: 2022-08-01. Review status: criteria provided, single submitter. Criteria: CeGaT Center For Human Genetics Tuebingen Variant Classification Criteria Version 2. Collection method: clinical testing. Allele origin: germline. Affected: yes. Observed: 1 variant allele.
Comment: ASXL2: PM2:Supporting, BP4